The following is an entry in ClinVar:

NM_003036.4(SKI):c.948G>A (p.Lys316=)

Gene: SKI (SKI proto-oncogene; plus strand). Cytogenetic location: 1p36.33.
Variant type: single nucleotide variant.
Coding change: c.948G>A on transcript NM_003036.4 (MANE Select); coding-DNA position 948, G replaced by A.
Protein change: p.Lys316=; no amino-acid change (lysine 316 retained).
Molecular consequence: synonymous variant.
Genome position (GRCh38, 1-based): chr1:2,229,714, G>A. VCF-style: chr1-2229714-G-A. GRCh37 (hg19) VCF-style: chr1-2161153-G-A.
Other names: p.K316K:AAG>AAA.
Identifiers: ClinVar variation 213664 (VCV000213664.23), dbSNP rs368128582, ClinGen allele CA320509.
Genomic context (GRCh38, chr1:2,229,714, plus strand): 5'-GCAGGCGCGCCTCGGCCGCTGCCTGGACGACGTGAAGGAGAAATTCGACTATGGCAACAA[G>A]TACAAGCGGCGGGTGCCCCGGGTGAGTGGCCCCAGGCCTGGGAGCTGGGGAGGATGCGCT-3'
Protein context (NP_003027.1, residues 306-326): DVKEKFDYGN[Lys316=]YKRRVPRVSS

ClinVar aggregate classification (germline): Benign/Likely benign. Review status: criteria provided, multiple submitters, no conflicts (2 of 4 stars). 4 submissions from 4 submitters: Benign (1); Likely benign (3). Last evaluated 2026-01-12.

Conditions:
Familial thoracic aortic aneurysm and aortic dissection (TAAD). Also called: Thoracic aortic aneurysms and dissections. Identifiers: Orphanet 91387, MedGen C4707243, MONDO:0019625.
Shprintzen-Goldberg syndrome (SGS). Also called: CRANIOSYNOSTOSIS WITH ARACHNODACTYLY AND ABDOMINAL HERNIAS; Marfanoid disorder with craniosynostosis type 1; Marfanoid craniosynostosis syndrome; Shprintzen-Goldberg marfanoid syndrome; SHPRINTZEN-GOLDBERG CRANIOSYNOSTOSIS SYNDROME. Identifiers: Orphanet 2462, MedGen C1321551, MONDO:0008426, OMIM 182212.

Allele frequency attached by ClinVar (database versions not stated): ExAC 0.00012; gnomAD 0.00029 and 0.00032; gnomAD exomes 0.00013 and 0.00018; ESP Exome Variant Server 0.00016; TOPMed 0.00046.

Submissions (4):

Labcorp Genetics (formerly Invitae), Labcorp
Classification: Likely benign for Shprintzen-Goldberg syndrome. Last evaluated: 2026-01-12. Review status: criteria provided, single submitter. Criteria: Invitae Variant Classification Sherloc (09022015). Collection method: clinical testing. Allele origin: germline.

ARUP Laboratories, Molecular Genetics and Genomics, ARUP Laboratories
Classification: Likely benign for Shprintzen-Goldberg syndrome. Last evaluated: 2018-12-28. Review status: criteria provided, single submitter. Criteria: ARUP Molecular Germline Variant Investigation Process. Collection method: clinical testing. Allele origin: germline.

Ambry Genetics
Classification: Likely benign for Familial thoracic aortic aneurysm and aortic dissection. Last evaluated: 2016-08-25. Review status: criteria provided, single submitter. Criteria: Ambry Variant Classification Scheme 2023. Collection method: clinical testing. Allele origin: germline.

GeneDx
Classification: Benign. Last evaluated: 2014-08-02. Review status: criteria provided, single submitter. Criteria: GeneDx Variant Classification (06012015). Collection method: clinical testing. Allele origin: germline. Affected: yes.
Comment: This variant is considered likely benign or benign based on one or more of the following criteria: it is a conservative change, it occurs at a poorly conserved position in the protein, it is predicted to be benign by multiple in silico algorithms, and/or has population frequency not consistent with disease.